The following is an entry in ClinVar:

ClinVar aggregate classification (germline): Likely benign. Review status: criteria provided, multiple submitters, no conflicts (2 of 4 stars). 3 submissions from 3 submitters: Likely benign (2). 1 of the submissions does not count toward it. Last evaluated 2024-01-01.

Conditions:
ZNF292-related disorder. Also called: ZNF292-related condition.
Inborn genetic diseases. Identifiers: MedGen C0950123, MeSH D030342.

Allele frequency attached by ClinVar (database versions not stated): 1000 Genomes Project 0.00060; ESP Exome Variant Server 0.00067; ExAC 0.00072; 1000 Genomes Project 30x 0.00078; gnomAD 0.00080; TOPMed 0.00085; gnomAD exomes 0.00090.
gnomAD v4.1: 1,461 of 1,613,534 alleles (0.091%); highest among the groups gnomAD compares: Admixed American, 0.14%; 2 homozygotes.

Submissions (3):

CeGaT Center for Human Genetics Tuebingen
Classification: Likely benign. Last evaluated: 2024-01-01. Review status: criteria provided, single submitter. Criteria: CeGaT Center For Human Genetics Tuebingen Variant Classification Criteria Version 2. Collection method: clinical testing. Allele origin: germline. Affected: yes. Observed: 1 variant allele.
Comment: ZNF292: BP4, BS1

Ambry Genetics
Classification: Likely benign for Inborn genetic diseases. Last evaluated: 2023-03-10. Review status: criteria provided, single submitter. Criteria: Ambry Variant Classification Scheme 2023. Collection method: clinical testing. Allele origin: germline.

PreventionGenetics, part of Exact Sciences
Classification: Benign for ZNF292-related condition. Last evaluated: 2023-11-22. Review status: no assertion criteria provided. Collection method: clinical testing. Allele origin: germline. Not counted in ClinVar's aggregate classification.
Comment: This variant is classified as benign based on ACMG/AMP sequence variant interpretation guidelines (Richards et al. 2015 PMID: 25741868, with internal and published modifications).

NM_015021.3(ZNF292):c.5027C>T (p.Thr1676Ile)

Gene: ZNF292 (zinc finger protein 292; plus strand). Cytogenetic location: 6q14.3.
Variant type: single nucleotide variant.
Coding change: c.5027C>T on transcript NM_015021.3 (MANE Select); coding-DNA position 5027, C replaced by T.
Protein change: p.Thr1676Ile; replaces threonine 1676 with isoleucine.
Molecular consequence: missense variant.
Genome position (GRCh38, 1-based): chr6:87,258,656, C>T. VCF-style: chr6-87258656-C-T. GRCh37 (hg19) VCF-style: chr6-87968374-C-T.
Other names: c.4607C>T, p.Thr1536Ile (NM_001351444.2); c.5027C>T (NM_015021.1); short protein forms T1536I, T1676I.
Identifiers: ClinVar variation 3025123 (VCV003025123.24), dbSNP rs183279203, ClinGen allele CA3914417.